The following is an entry in ClinVar:

ClinVar aggregate classification (germline): Uncertain significance (1 of 4 stars; one submission).

Submission:

Labcorp Genetics (formerly Invitae), Labcorp
Classification: Uncertain significance. Last evaluated: 2025-01-29. Review status: criteria provided, single submitter. Criteria: Invitae Variant Classification Sherloc (09022015). Collection method: clinical testing. Allele origin: germline.
Comment: This sequence change replaces methionine, which is neutral and non-polar, with threonine, which is neutral and polar, at codon 196 of the DLX5 protein (p.Met196Thr). This variant is not present in population databases (gnomAD no frequency). This variant has not been reported in the literature in individuals affected with DLX5-related conditions. Invitae Evidence Modeling of protein sequence and biophysical properties (such as structural, functional, and spatial information, amino acid conservation, physicochemical variation, residue mobility, and thermodynamic stability) indicates that this missense variant is not expected to disrupt DLX5 protein function with a negative predictive value of 80%. In summary, the available evidence is currently insufficient to determine the role of this variant in disease. Therefore, it has been classified as a Variant of Uncertain Significance.

NM_005221.6(DLX5):c.587T>C (p.Met196Thr)

Genes: DLX5 (distal-less homeobox 5; minus strand), LOC126860116 (CDK7 strongly-dependent group 2 enhancer GRCh37_chr7:96650255-96651454; plus strand). Cytogenetic location: 7q21.3.
Variant type: single nucleotide variant.
Coding change: c.587T>C on transcript NM_005221.6 (MANE Select); coding-DNA position 587, T replaced by C.
Protein change: p.Met196Thr; replaces methionine 196 with threonine.
Molecular consequence: missense variant.
Genome position (GRCh38, 1-based): chr7:97,021,019, A>G on the plus strand (T>C on the coding strand, the complement: DLX5 is on the minus strand). VCF-style: chr7-97021019-A-G. GRCh37 (hg19) VCF-style: chr7-96650331-A-G.
Other names: short protein forms M196T.
Identifiers: ClinVar variation 4772772 (VCV004772772.1).